The following is an entry in ClinVar:

ClinVar aggregate classification (germline): Uncertain significance (1 of 4 stars; one submission).

Allele frequency attached by ClinVar (database versions not stated): gnomAD exomes below 0.00001; TOPMed below 0.00001.
gnomAD v4.1: 2 of 1,587,148 alleles (0.00013%); highest among the groups gnomAD compares: South Asian, 0.0012%; no homozygotes.

Submission:

Labcorp Genetics (formerly Invitae), Labcorp
Classification: Uncertain significance. Last evaluated: 2024-05-06. Review status: criteria provided, single submitter. Criteria: Invitae Variant Classification Sherloc (09022015). Collection method: clinical testing. Allele origin: germline.
Comment: This sequence change replaces lysine, which is basic and polar, with arginine, which is basic and polar, at codon 806 of the MCM4 protein (p.Lys806Arg). This variant is not present in population databases (gnomAD no frequency). This variant has not been reported in the literature in individuals affected with MCM4-related conditions. Advanced modeling of protein sequence and biophysical properties (such as structural, functional, and spatial information, amino acid conservation, physicochemical variation, residue mobility, and thermodynamic stability) performed at Invitae indicates that this missense variant is not expected to disrupt MCM4 protein function with a negative predictive value of 80%. In summary, the available evidence is currently insufficient to determine the role of this variant in disease. Therefore, it has been classified as a Variant of Uncertain Significance.

NM_182746.3(MCM4):c.2417A>G (p.Lys806Arg)

Gene: MCM4 (minichromosome maintenance complex component 4; plus strand). Cytogenetic location: 8q11.21.
Variant type: single nucleotide variant.
Coding change: c.2417A>G on transcript NM_182746.3 (MANE Select); coding-DNA position 2417, A replaced by G.
Protein change: p.Lys806Arg; replaces lysine 806 with arginine.
Molecular consequence: missense variant.
Genome position (GRCh38, 1-based): chr8:47,975,766, A>G. VCF-style: chr8-47975766-A-G. GRCh37 (hg19) VCF-style: chr8-48888326-A-G.
Other names: c.2417A>G, p.Lys806Arg (NM_005914.4); short protein forms K806R.
Identifiers: ClinVar variation 2988162 (VCV002988162.3), dbSNP rs373142328, ClinGen allele CA176158988.